The following is an entry in ClinVar:

NM_206937.2(LIG4):c.823G>C (p.Asp275His)

Gene: LIG4 (DNA ligase 4; minus strand). Cytogenetic location: 13q33.3.
Variant type: single nucleotide variant.
Coding change: c.823G>C on transcript NM_206937.2 (MANE Select); coding-DNA position 823, G replaced by C.
Protein change: p.Asp275His; replaces aspartic acid 275 with histidine.
Molecular consequence: missense variant.
Genome position (GRCh38, 1-based): chr13:108,210,446, C>G on the plus strand (G>C on the coding strand, the complement: LIG4 is on the minus strand). VCF-style: chr13-108210446-C-G. GRCh37 (hg19) VCF-style: chr13-108862794-C-G.
Other names: c.823G>C, p.Asp275His (NM_001098268.2, NM_001352598.2, NM_001352599.2 and 6 more transcripts); c.622G>C, p.Asp208His (NM_001330595.2); c.859G>C, p.Asp287His (NM_001352604.2); short protein forms D208H, D275H, D287H.
Identifiers: ClinVar variation 4279783 (VCV004279783.2).

ClinVar aggregate classification (germline): Conflicting classifications of pathogenicity. Review status: criteria provided, conflicting classifications (1 of 4 stars). 2 submissions from 2 submitters: Likely pathogenic (1); Uncertain significance (1). Last evaluated 2025-12-01.

Conditions:
DNA ligase IV deficiency. Identifiers: Orphanet 99812, MedGen C1847827, MONDO:0011686, OMIM 606593.

Submissions (2):

Labcorp Genetics (formerly Invitae), Labcorp
Classification: Likely pathogenic for DNA ligase IV deficiency. Last evaluated: 2025-12-01. Review status: criteria provided, single submitter. Criteria: Invitae Variant Classification Sherloc (09022015). Collection method: clinical testing. Allele origin: germline.
Comment: This sequence change replaces aspartic acid, which is acidic and polar, with histidine, which is basic and polar, at codon 275 of the LIG4 protein (p.Asp275His). This variant is not present in population databases (gnomAD no frequency). This missense change has been observed in individual(s) with clinical features of LIG4-related severe combined immunodeficiency (internal data). ClinVar contains an entry for this variant (Variation ID: 4279783). Invitae Evidence Modeling of protein sequence and biophysical properties (such as structural, functional, and spatial information, amino acid conservation, physicochemical variation, residue mobility, and thermodynamic stability) indicates that this missense variant is expected to disrupt LIG4 protein function with a positive predictive value of 95%. In summary, the currently available evidence indicates that the variant is pathogenic, but additional data are needed to prove that conclusively. Therefore, this variant has been classified as Likely Pathogenic.

Clinical Genomics Laboratory, Washington University in St. Louis
Classification: Uncertain significance for DNA ligase IV deficiency. Last evaluated: 2025-05-12. Review status: criteria provided, single submitter. Criteria: ACMG Guidelines, 2015. Collection method: clinical testing. Allele origin: germline.
Comment: The LIG4 c.823G>C (p.Asp275His) variant, to our knowledge, has not been reported in the medical literature. This variant is absent from the general population (gnomAD v2.1.1), indicating it is not a common variant. Computational predictors indicate that the variant is damaging, evidence that correlates with impact on LIG4 function. Due to limited information, and based on ACMG/AMP guidelines for variant interpretation (Richards S et al., PMID: 25741868), the clinical significance of this variant is uncertain at this time.